The following is an entry in ClinVar:

ClinVar aggregate classification (germline): Conflicting classifications of pathogenicity. Review status: criteria provided, conflicting classifications (1 of 4 stars). 2 submissions from 2 submitters: Uncertain significance (1); Likely benign (1). Last evaluated 2025-01-10.

Conditions:
Inborn genetic diseases. Identifiers: MedGen C0950123, MeSH D030342.

Submissions (2):

Ambry Genetics
Classification: Likely benign for Inborn genetic diseases. Last evaluated: 2025-01-10. Review status: criteria provided, single submitter. Criteria: Ambry Variant Classification Scheme 2023. Collection method: clinical testing. Allele origin: germline.

GeneDx
Classification: Uncertain significance. Last evaluated: 2023-12-23. Review status: criteria provided, single submitter. Criteria: GeneDx Variant Classification Process June 2021. Collection method: clinical testing. Allele origin: germline. Affected: yes.
Comment: Not observed at significant frequency in large population cohorts (gnomAD); In silico analysis supports that this variant does not alter splicing; Has not been previously published as pathogenic or benign to our knowledge

NM_014915.3(ANKRD26):c.5100T>C (p.Tyr1700=)

Gene: ANKRD26 (ankyrin repeat domain containing 26; minus strand). Cytogenetic location: 10p12.1.
Variant type: single nucleotide variant.
Coding change: c.5100T>C on transcript NM_014915.3 (MANE Select); coding-DNA position 5100, T replaced by C.
Protein change: p.Tyr1700=; no amino-acid change (tyrosine 1700 retained).
Molecular consequence: synonymous variant.
Genome position (GRCh38, 1-based): chr10:27,005,623, A>G on the plus strand (T>C on the coding strand, the complement: ANKRD26 is on the minus strand). VCF-style: chr10-27005623-A-G. GRCh37 (hg19) VCF-style: chr10-27294552-A-G.
Other names: c.5097T>C, p.Tyr1699= (NM_001256053.2).
Identifiers: ClinVar variation 3367231 (VCV003367231.2).